The following is an entry in ClinVar:

ClinVar aggregate classification (germline): Uncertain significance. Review status: criteria provided, multiple submitters, no conflicts (2 of 4 stars). 3 submissions from 3 submitters: Uncertain significance (3). Last evaluated 2026-03-31.

Allele frequency attached by ClinVar (database versions not stated): TOPMed 0.00006; gnomAD 0.00005 and 0.00006.
gnomAD v4.1: 116 of 1,613,264 alleles (0.0072%); highest among the groups gnomAD compares: Non-Finnish European, 0.0093%; no homozygotes.

Submissions (3):

GeneDx
Classification: Uncertain significance. Last evaluated: 2026-03-31. Review status: criteria provided, single submitter. Criteria: GeneDx Variant Classification Process June 2021. Collection method: clinical testing. Allele origin: germline.
Comment: In silico analysis suggests that this missense variant does not alter protein structure/function; Has not been previously published as pathogenic or benign to our knowledge

Labcorp Genetics (formerly Invitae), Labcorp
Classification: Uncertain significance. Last evaluated: 2025-10-02. Review status: criteria provided, single submitter. Criteria: Invitae Variant Classification Sherloc (09022015). Collection method: clinical testing. Allele origin: germline.
Comment: This sequence change replaces arginine, which is basic and polar, with histidine, which is basic and polar, at codon 171 of the PTPN23 protein (p.Arg171His). This variant is present in population databases (rs780215762, gnomAD 0.01%). This variant has not been reported in the literature in individuals affected with PTPN23-related conditions. ClinVar contains an entry for this variant (Variation ID: 1515498). An algorithm developed to predict the effect of missense changes on protein structure and function outputs the following: PolyPhen-2: "Not Available". The histidine amino acid residue is found in multiple mammalian species, which suggests that this missense change does not adversely affect protein function. In summary, the available evidence is currently insufficient to determine the role of this variant in disease. Therefore, it has been classified as a Variant of Uncertain Significance.

Blueprint Genetics
Classification: Uncertain significance. Last evaluated: 2023-08-14. Review status: criteria provided, single submitter. Criteria: ACMG Guidelines, 2015. Collection method: clinical testing. Allele origin: germline.

NM_015466.4(PTPN23):c.512G>A (p.Arg171His)

Gene: PTPN23 (protein tyrosine phosphatase non-receptor type 23; plus strand). Cytogenetic location: 3p21.31.
Variant type: single nucleotide variant.
Coding change: c.512G>A on transcript NM_015466.4 (MANE Select); coding-DNA position 512, G replaced by A.
Protein change: p.Arg171His; replaces arginine 171 with histidine.
Molecular consequence: missense variant.
Genome position (GRCh38, 1-based): chr3:47,406,012, G>A. VCF-style: chr3-47406012-G-A. GRCh37 (hg19) VCF-style: chr3-47447502-G-A.
Other names: c.134G>A, p.Arg45His (NM_001304482.2); c.512G>A (NM_015466.2); short protein forms R45H, R171H.
Identifiers: ClinVar variation 1515498 (VCV001515498.7), dbSNP rs780215762, ClinGen allele CA2365350.